The following is an entry in ClinVar:

NM_025099.6(CTC1):c.958_969del (p.318LE[1])

Gene: CTC1 (CST telomere replication complex component 1; minus strand). Cytogenetic location: 17p13.1.
Variant type: Deletion.
Coding change: c.958_969del on transcript NM_025099.6 (MANE Select); coding-DNA positions 958 to 969, 12 bases deleted (CTGGAGCTGGAA).
Protein change: p.318LE[1].
Molecular consequence: inframe deletion. On other transcripts: non-coding transcript variant (1).
Genome position (GRCh38, 1-based): chr17:8,236,166-8,236,177, TTCCAGCTCCAG deleted on the plus strand (CTGGAGCTGGAA on the coding strand, the reverse complement: CTC1 is on the minus strand); deleting any 12 consecutive bases within chr17:8,236,166-8,236,187 gives the same sequence; the c. name uses the placement nearest the transcript's 3' end. VCF-style (leftmost placement, unchanged base first): chr17-8236165-CTTCCAGCTCCAG-C. GRCh37 (hg19) VCF-style: chr17-8139483-CTTCCAGCTCCAG-C.
Identifiers: ClinVar variation 1484013 (VCV001484013.8), dbSNP rs763129063, ClinGen allele CA8372513.
Genomic context (GRCh38, chr17:8,236,165, plus strand): 5'-TCTTGTCCTCCGAGTTGCTGGGCATGGGGAGTGGCTTGGGGTCAGCCTCTAAGAGGGGTC[CTTCCAGCTCCAG>C]TTCCAGCTCCTGCACACATTCTGGTTTCAGCAGCAACAGACGGGAGGACTGACTGGTCAT-3'

ClinVar aggregate classification (germline): Uncertain significance (1 of 4 stars; one submission).

Conditions:
Dyskeratosis congenita. Identifiers: Orphanet 1775, MedGen C0265965, MONDO:0015780.

Submission:

Labcorp Genetics (formerly Invitae), Labcorp
Classification: Uncertain significance for Dyskeratosis congenita. Last evaluated: 2022-06-27. Review status: criteria provided, single submitter. Criteria: Invitae Variant Classification Sherloc (09022015). Collection method: clinical testing. Allele origin: germline.
Comment: In summary, the available evidence is currently insufficient to determine the role of this variant in disease. Therefore, it has been classified as a Variant of Uncertain Significance. Experimental studies and prediction algorithms are not available or were not evaluated, and the functional significance of this variant is currently unknown. This variant has not been reported in the literature in individuals affected with CTC1-related conditions. This variant is present in population databases (rs763129063, gnomAD 0.003%). This variant, c.958_969del, results in the deletion of 4 amino acid(s) of the CTC1 protein (p.Leu320_Glu323del), but otherwise preserves the integrity of the reading frame.